The following is an entry in ClinVar:

ClinVar aggregate classification (germline): Pathogenic. Review status: criteria provided, multiple submitters, no conflicts (2 of 4 stars). 2 submissions from 2 submitters: Pathogenic (2). Last evaluated 2022-12-30.

Conditions:
Developmental and epileptic encephalopathy, 2 (DEE2). Also called: INFANTILE SPASM SYNDROME, X-LINKED 2; CDKL5 deficiency disorder. Identifiers: Orphanet 1934, Orphanet 3451, Orphanet 505652, MedGen C4750718, MONDO:0010396, OMIM 300672.
Angelman syndrome-like. Identifiers: MedGen CN128785.

Submissions (2):

Labcorp Genetics (formerly Invitae), Labcorp
Classification: Pathogenic for Developmental and epileptic encephalopathy, 2; Angelman syndrome-like. Last evaluated: 2022-12-30. Review status: criteria provided, single submitter. Criteria: Invitae Variant Classification Sherloc (09022015). Collection method: clinical testing. Allele origin: germline.
Comment: For these reasons, this variant has been classified as Pathogenic. ClinVar contains an entry for this variant (Variation ID: 803724). This variant has not been reported in the literature in individuals affected with CDKL5-related conditions. This variant is not present in population databases (gnomAD no frequency). This sequence change creates a premature translational stop signal (p.Ser827*) in the CDKL5 gene. It is expected to result in an absent or disrupted protein product. Loss-of-function variants in CDKL5 are known to be pathogenic (PMID: 22872100).

Mendelics
Classification: Pathogenic for Developmental and epileptic encephalopathy, 2. Last evaluated: 2019-05-28. Review status: criteria provided, single submitter. Criteria: Mendelics Assertion Criteria 2017. Collection method: clinical testing. Allele origin: unknown.

Literature cited by the submitters: PubMed 22872100 (cited by Labcorp Genetics (formerly Invitae), Labcorp).

NM_001323289.2(CDKL5):c.2480C>G (p.Ser827Ter)

Gene: CDKL5 (cyclin dependent kinase like 5; plus strand). Cytogenetic location: Xp22.13.
Variant type: single nucleotide variant.
Coding change: c.2480C>G on transcript NM_001323289.2 (MANE Select); coding-DNA position 2480, C replaced by G.
Protein change: p.Ser827Ter; replaces serine 827 with a stop codon.
Molecular consequence: nonsense.
Genome position (GRCh38, 1-based): chrX:18,625,231, C>G. VCF-style: chrX-18625231-C-G. GRCh37 (hg19) VCF-style: chrX-18643351-C-G.
Other names: c.2480C>G, p.Ser827Ter (NM_001037343.2, NM_003159.3); short protein forms S827*.
Identifiers: ClinVar variation 803724 (VCV000803724.6), dbSNP rs1602298653, ClinGen allele CA412365748.